The following is an entry in ClinVar:

NM_000031.6(ALAD):c.484T>A (p.Cys162Ser)

Gene: ALAD (aminolevulinate dehydratase; minus strand). Cytogenetic location: 9q32.
Variant type: single nucleotide variant.
Coding change: c.484T>A on transcript NM_000031.6 (MANE Select); coding-DNA position 484, T replaced by A.
Protein change: p.Cys162Ser; replaces cysteine 162 with serine.
Molecular consequence: missense variant.
Genome position (GRCh38, 1-based): chr9:113,390,491, A>T on the plus strand (T>A on the coding strand, the complement: ALAD is on the minus strand). VCF-style: chr9-113390491-A-T. GRCh37 (hg19) VCF-style: chr9-116152771-A-T.
Other names: c.571T>A, p.Cys191Ser (NM_001003945.3); c.460T>A, p.Cys154Ser (NM_001317745.2); short protein forms C162S, C154S, C191S.
Identifiers: ClinVar variation 382540 (VCV000382540.2), dbSNP rs1057521379, ClinGen allele CA16605295.

ClinVar aggregate classification (germline): Uncertain significance (1 of 4 stars; one submission).

Submission:

GeneDx
Classification: Uncertain significance. Last evaluated: 2016-01-13. Review status: criteria provided, single submitter. Criteria: GeneDx Variant Classification (06012015). Collection method: clinical testing. Allele origin: germline. Affected: yes.
Comment: The C162S variant in the ALAD gene has not been reported previously as a pathogenic variant, nor as a benign variant, to our knowledge. The C162S variant was not observed in approximately 6500 individuals of European and African American ancestry in the NHLBI Exome Sequencing Project, indicating it is not a common benign variant in these populations. The C162S variant is a non-conservative amino acid substitution, which is likely to impact secondary protein structure as these residues differ in polarity, charge, size and/or other properties. This substitution occurs at a position that is conserved across species. In silico analysis predicts this variant is probably damaging to the protein structure/function. We interpret C162S as a variant of uncertain significance.